The following is an entry in ClinVar:

ClinVar aggregate classification (germline): Uncertain significance. Review status: criteria provided, multiple submitters, no conflicts (2 of 4 stars). 3 submissions from 3 submitters: Uncertain significance (3). Last evaluated 2024-04-05.

Conditions:
Diamond-Blackfan anemia. Also called: Aase syndrome; Blackfan Diamond syndrome; Aregenerative anemia chronic congenital; Red cell aplasia, pure hereditary; Congenital hypoplastic anemia. Identifiers: Orphanet 124, MedGen C1260899, MeSH D029503, MONDO:0015253, HP:0004810.
Diamond-Blackfan anemia 6 (DBA6). Also called: RPL5-Related Diamond-Blackfan Anemia. Identifiers: Orphanet 124, MedGen C2931850, MONDO:0012937, OMIM 612561.

Submissions (3):

Fulgent Genetics
Classification: Uncertain significance for Diamond-Blackfan anemia 6. Last evaluated: 2024-04-05. Review status: criteria provided, single submitter. Criteria: ACMG Guidelines, 2015. Collection method: clinical testing. Allele origin: germline.

Labcorp Genetics (formerly Invitae), Labcorp
Classification: Uncertain significance for Diamond-Blackfan anemia. Last evaluated: 2022-06-25. Review status: criteria provided, single submitter. Criteria: Invitae Variant Classification Sherloc (09022015). Collection method: clinical testing. Allele origin: germline.
Comment: This sequence change replaces valine, which is neutral and non-polar, with isoleucine, which is neutral and non-polar, at codon 280 of the RPL5 protein (p.Val280Ile). This variant is not present in population databases (gnomAD no frequency). This variant has not been reported in the literature in individuals affected with RPL5-related conditions. Algorithms developed to predict the effect of missense changes on protein structure and function are either unavailable or do not agree on the potential impact of this missense change (SIFT: "Tolerated"; PolyPhen-2: "Possibly Damaging"; Align-GVGD: "Class C0"). In summary, the available evidence is currently insufficient to determine the role of this variant in disease. Therefore, it has been classified as a Variant of Uncertain Significance.

AiLife Diagnostics
Classification: Uncertain significance. Last evaluated: 2021-07-02. Review status: criteria provided, single submitter. Criteria: ACMG Guidelines, 2015. Collection method: clinical testing. Allele origin: germline. Affected: yes. Observed: 1 variant allele.

NM_000969.5(RPL5):c.838G>A (p.Val280Ile)

Genes: DIPK1A (divergent protein kinase domain 1A; minus strand), RPL5 (ribosomal protein L5; plus strand). Cytogenetic location: 1p22.1.
Variant type: single nucleotide variant.
Coding change: c.838G>A on transcript NM_000969.5 (MANE Select); coding-DNA position 838, G replaced by A.
Protein change: p.Val280Ile; replaces valine 280 with isoleucine.
Molecular consequence: missense variant. On other transcripts: non-coding transcript variant (1), intron variant (1).
Genome position (GRCh38, 1-based): chr1:92,841,809, G>A. VCF-style: chr1-92841809-G-A. GRCh37 (hg19) VCF-style: chr1-93307366-G-A.
Other names: c.474+5374C>T (NM_001252273.2); short protein forms V280I.
Identifiers: ClinVar variation 1678513 (VCV001678513.8), dbSNP rs1687377449, ClinGen allele CA341244086.